The following is an entry in ClinVar:

ClinVar aggregate classification (germline): Likely benign (1 of 4 stars; one submission).

gnomAD v4.1: 58 of 1,456,118 alleles (0.004%); highest among the groups gnomAD compares: African/African-American, 0.055%; no homozygotes.

Submission:

CeGaT Center for Human Genetics Tuebingen
Classification: Likely benign. Last evaluated: 2026-05-01. Review status: criteria provided, single submitter. Criteria: CeGaT Center For Human Genetics Tuebingen Variant Classification Criteria Version 2. Collection method: clinical testing. Allele origin: germline. Affected: yes. Observed: 1 variant allele.
Comment: DLG4: BP4, BP7

NM_001321075.3(DLG4):c.1884C>T (p.Leu628=)

Gene: DLG4 (discs large MAGUK scaffold protein 4; minus strand). Cytogenetic location: 17p13.1.
Variant type: single nucleotide variant.
Coding change: c.1884C>T on transcript NM_001321075.3 (MANE Select); coding-DNA position 1884, C replaced by T.
Protein change: p.Leu628=; no amino-acid change (leucine 628 retained).
Molecular consequence: synonymous variant.
Genome position (GRCh38, 1-based): chr17:7,191,985, G>A on the plus strand (C>T on the coding strand, the complement: DLG4 is on the minus strand). VCF-style: chr17-7191985-G-A. GRCh37 (hg19) VCF-style: chr17-7095304-G-A.
Other names: c.1875C>T, p.Leu625= (NM_001128827.4); c.2004C>T, p.Leu668= (NM_001321074.1); c.1704C>T, p.Leu568= (NM_001321076.3, NM_001321077.3); c.2013C>T, p.Leu671= (NM_001365.5); c.1803C>T, p.Leu601= (NM_001369566.3).
Identifiers: ClinVar variation 4872289 (VCV004872289.2).
Genomic context (GRCh38, chr17:7,191,985, plus strand): 5'-GATGGCGATGGGGTGCAGGTGGGCCGCCTGCAGCCGCCGCACGGCATTGGCCGAGACATC[G>A]AGGATGCAGTGCTTCCCCTGGGGGCAGGCAGGGTGGGCGGAGGGGGGCCAGCGGGTGGCG-3'
Protein context (NP_001308004.1, residues 618-638): EVAEQGKHCI[Leu628=]DVSANAVRRL